The following is an entry in ClinVar:

ClinVar aggregate classification (germline): Uncertain significance (1 of 4 stars; one submission).

Conditions:
Cardiovascular phenotype. Identifiers: MedGen CN230736.

Submission:

Ambry Genetics
Classification: Uncertain significance for Cardiovascular phenotype. Last evaluated: 2023-09-11. Review status: criteria provided, single submitter. Criteria: Ambry Variant Classification Scheme 2023. Collection method: clinical testing. Allele origin: germline.
Comment: The c.8574_8600dup27 variant (also known as p.N2858_V2866dup), located in coding exon 10 of the ALMS1 gene, results from an in-frame duplication of 27 nucleotides at nucleotide positions 8574 to 8600. This results in the duplication of 9 extra residues (NRSSSRLGV) between codons 2858 and 2866. This amino acid region is not well conserved in available vertebrate species. Since supporting evidence is limited at this time, the clinical significance of this alteration remains unclear.

NM_001378454.1(ALMS1):c.8571_8597dup (p.Val2865_Lys2866insAsnArgSerSerSerArgLeuGlyVal)

Gene: ALMS1 (ALMS1 centrosome and basal body associated protein; plus strand). Cytogenetic location: 2p13.1.
Variant type: Duplication.
Coding change: c.8571_8597dup on transcript NM_001378454.1 (MANE Select); coding-DNA positions 8571 to 8597, 27 bases duplicated (CAGATCGAGTTCCAGACTAGGAGTAAA).
Protein change: p.Val2865_Lys2866insAsnArgSerSerSerArgLeuGlyVal.
Molecular consequence: inframe insertion.
Genome position (GRCh38, 1-based): chr2:73,490,530-73,490,556, CAGATCGAGTTCCAGACTAGGAGTAAA duplicated; duplicating any 27 consecutive bases within chr2:73,490,519-73,490,556 gives the same sequence; the c. name uses the placement nearest the transcript's 3' end. VCF-style (leftmost placement, unchanged base first): chr2-73490518-C-CCTAGGAGTAAACAGATCGAGTTCCAGA. GRCh37 (hg19) VCF-style: chr2-73717645-C-CCTAGGAGTAAACAGATCGAGTTCCAGA.
Other names: c.8574_8600dup, p.Val2866_Lys2867insAsnArgSerSerSerArgLeuGlyVal (NM_015120.4); c.8574_8600dupCAGATCGAGTTCCAGACTAGGAGTAAA (NM_015120.4).
Identifiers: ClinVar variation 2626205 (VCV002626205.2), dbSNP rs2466216516, ClinGen allele CA2582342403.